The following is an entry in ClinVar:

ClinVar aggregate classification (germline): Likely benign. Review status: criteria provided, multiple submitters, no conflicts (2 of 4 stars). 2 submissions from 2 submitters: Likely benign (2). Last evaluated 2018-01-13.

Conditions:
Histidinemia. Also called: Deficiency of histidine ammonia-lyase; Hyperhistidinemia; HAL DEFICIENCY; HIS DEFICIENCY; HISTIDASE DEFICIENCY; HISTIDINE AMMONIA-LYASE DEFICIENCY. Identifiers: Orphanet 2157, MedGen C0220992, MONDO:0009345, OMIM 235800, HP:0010906.

Allele frequency attached by ClinVar (database versions not stated): 1000 Genomes Project 0.01198; 1000 Genomes Project 30x 0.01218; TOPMed 0.02377; gnomAD 0.03397 and 0.03547; gnomAD exomes 0.03445.
gnomAD v4.1: 5,288 of 157,044 alleles (3.4%); highest among the groups gnomAD compares: Non-Finnish European, 4.6%; 175 homozygotes.

Submissions (2):

Illumina Laboratory Services, Illumina
Classification: Likely benign for Histidinemia. Last evaluated: 2018-01-13. Review status: criteria provided, single submitter. Criteria: ICSL Variant Classification Criteria 13 December 2019. Collection method: clinical testing. Allele origin: germline.
Comment: This variant was observed in the ICSL laboratory as part of a predisposition screen in an ostensibly healthy population. It had not been previously curated by ICSL or reported in the Human Gene Mutation Database (HGMD: prior to June 1st, 2018), and was therefore a candidate for classification through an automated scoring system. Utilizing variant allele frequency, disease prevalence and penetrance estimates, and inheritance mode, an automated score was calculated to assess if this variant is too frequent to cause the disease. Based on the score and internal cut-off values, a variant classified as likely benign is not then subjected to further curation. The score for this variant resulted in a classification of likely benign for this disease.

Breakthrough Genomics
Classification: Likely benign. Review status: criteria provided, single submitter. Criteria: ACMG Guidelines, 2015. Collection method: not provided. Allele origin: germline. Inheritance: Autosomal recessive inheritance. Affected: yes.

NM_002108.4(HAL):c.*530T>G

Gene: HAL (histidine ammonia-lyase; minus strand). Cytogenetic location: 12q23.1.
Variant type: single nucleotide variant.
Coding change: c.*530T>G on transcript NM_002108.4 (MANE Select); 530 bases downstream of the stop codon, T replaced by G.
Molecular consequence: 3 prime UTR variant.
Genome position (GRCh38, 1-based): chr12:95,973,702, A>C on the plus strand (T>G on the coding strand, the complement: HAL is on the minus strand). VCF-style: chr12-95973702-A-C. GRCh37 (hg19) VCF-style: chr12-96367480-A-C.
Other names: c.*530T>G (NM_001258333.2); c.*658T>G (NM_001258334.2).
Identifiers: ClinVar variation 882952 (VCV000882952.5), dbSNP rs117562170, ClinGen allele CA241407753.